The following is an entry in ClinVar:

NM_020937.4(FANCM):c.4187_4189dup (p.Pro1396_Met1397insThr)

Gene: FANCM (FA complementation group M; plus strand). Cytogenetic location: 14q21.2.
Variant type: Duplication.
Coding change: c.4187_4189dup on transcript NM_020937.4 (MANE Select); coding-DNA positions 4187 to 4189, 3 bases duplicated (CAA; older notation c.4187_4189dupCAA).
Protein change: p.Pro1396_Met1397insThr.
Molecular consequence: inframe insertion.
Genome position (GRCh38, 1-based): chr14:45,176,941-45,176,943, CAA duplicated. VCF-style (leftmost placement, unchanged base first): chr14-45176940-C-CCAA. GRCh37 (hg19) VCF-style: chr14-45646143-C-CCAA.
Other names: c.4109_4111dup, p.Pro1370_Met1371insThr (NM_001308133.2).
Identifiers: ClinVar variation 1037584 (VCV001037584.10), dbSNP rs1888747763, ClinGen allele CA2133614335.

ClinVar aggregate classification (germline): Uncertain significance (1 of 4 stars; one submission).

Conditions:
Fanconi anemia (FA). Also called: Fanconi's anemia. Identifiers: Orphanet 84, MedGen C0015625, MeSH D005199, MONDO:0019391.

Submission:

Labcorp Genetics (formerly Invitae), Labcorp
Classification: Uncertain significance for Fanconi anemia. Last evaluated: 2022-09-19. Review status: criteria provided, single submitter. Criteria: Invitae Variant Classification Sherloc (09022015). Collection method: clinical testing. Allele origin: germline.
Comment: In summary, the available evidence is currently insufficient to determine the role of this variant in disease. Therefore, it has been classified as a Variant of Uncertain Significance. Experimental studies and prediction algorithms are not available or were not evaluated, and the functional significance of this variant is currently unknown. ClinVar contains an entry for this variant (Variation ID: 1037584). This variant has not been reported in the literature in individuals affected with FANCM-related conditions. This variant is not present in population databases (gnomAD no frequency). This variant, c.4187_4189dup, results in the insertion of 1 amino acid(s) of the FANCM protein (p.Pro1396_Met1397insThr), but otherwise preserves the integrity of the reading frame.